The following is an entry in ClinVar:

NM_032043.3(BRIP1):c.2992A>C (p.Lys998Gln)

Gene: BRIP1 (BRCA1 interacting DNA helicase 1; minus strand). Cytogenetic location: 17q23.2.
Variant type: single nucleotide variant.
Coding change: c.2992A>C on transcript NM_032043.3 (MANE Select); coding-DNA position 2992, A replaced by C.
Protein change: p.Lys998Gln; replaces lysine 998 with glutamine.
Molecular consequence: missense variant.
Genome position (GRCh38, 1-based): chr17:61,684,054, T>G on the plus strand (A>C on the coding strand, the complement: BRIP1 is on the minus strand). VCF-style: chr17-61684054-T-G. GRCh37 (hg19) VCF-style: chr17-59761415-T-G.
Other names: short protein forms K998Q.
Identifiers: ClinVar variation 822457 (VCV000822457.5), dbSNP rs1603275633, ClinGen allele CA400480055.
Genomic context (GRCh38, chr17:61,684,054, plus strand): 5'-TCGGTATTTTACCAGTAAAATACTGTCCCAAAGAATTAAAGCTTGACCAGCTAACTCTCT[T>G]TGTTTGTTTGTTGAAAGTTGGGCTTGTGGATCTGGAAATCACAATTTTTTCTGCTTTCCC-3'
Protein context (NP_114432.2, residues 988-1008): STSPTFNKQT[Lys998Gln]RVSWSSFNSL

ClinVar aggregate classification (germline): Uncertain significance (1 of 4 stars; one submission).

Conditions:
Hereditary cancer-predisposing syndrome. Also called: Tumor predisposition; Hereditary Cancer Syndrome; Neoplastic Syndromes, Hereditary; Hereditary neoplastic syndrome. Identifiers: Orphanet 140162, MedGen C0027672, MeSH D009386, MONDO:0015356.

Submission:

Ambry Genetics
Classification: Uncertain significance for Hereditary cancer-predisposing syndrome. Last evaluated: 2024-07-23. Review status: criteria provided, single submitter. Criteria: Ambry Variant Classification Scheme 2023. Collection method: clinical testing. Allele origin: germline.
Comment: The p.K998Q variant (also known as c.2992A>C), located in coding exon 19 of the BRIP1 gene, results from an A to C substitution at nucleotide position 2992. The lysine at codon 998 is replaced by glutamine, an amino acid with similar properties. This amino acid position is not well conserved in available vertebrate species. In addition, this alteration is predicted to be tolerated by in silico analysis. Since supporting evidence is limited at this time, the clinical significance of this alteration remains unclear.